The following is an entry in ClinVar:

NM_017950.4(CCDC40):c.2068G>A (p.Ala690Thr)

Gene: CCDC40 (coiled-coil domain 40 molecular ruler complex subunit; plus strand). Cytogenetic location: 17q25.3.
Variant type: single nucleotide variant.
Coding change: c.2068G>A on transcript NM_017950.4 (MANE Select); coding-DNA position 2068, G replaced by A.
Protein change: p.Ala690Thr; replaces alanine 690 with threonine.
Molecular consequence: missense variant.
Genome position (GRCh38, 1-based): chr17:80,084,821, G>A. VCF-style: chr17-80084821-G-A. GRCh37 (hg19) VCF-style: chr17-78058620-G-A.
Other names: c.2068G>A, p.Ala690Thr (NM_001243342.2); short protein forms A690T.
Identifiers: ClinVar variation 1000008 (VCV001000008.7), dbSNP rs201907038, ClinGen allele CA8814101.

ClinVar aggregate classification (germline): Uncertain significance (1 of 4 stars; one submission).

Conditions:
Primary ciliary dyskinesia. Also called: Ciliary dyskinesia. Identifiers: Orphanet 244, MedGen C0008780, MONDO:0016575, HP:0012265.

Allele frequency attached by ClinVar (database versions not stated): ExAC 0.00003; gnomAD exomes 0.00005 and 0.00007; gnomAD 0.00006 and 0.00007; 1000 Genomes Project 30x 0.00016; 1000 Genomes Project 0.00020; TOPMed 0.00007.
gnomAD v4.1: 81 of 1,614,156 alleles (0.005%); highest among the groups gnomAD compares: Middle Eastern, 0.12%; no homozygotes.

Submission:

Labcorp Genetics (formerly Invitae), Labcorp
Classification: Uncertain significance for Primary ciliary dyskinesia. Last evaluated: 2025-10-04. Review status: criteria provided, single submitter. Criteria: Invitae Variant Classification Sherloc (09022015). Collection method: clinical testing. Allele origin: germline.
Comment: This sequence change replaces alanine, which is neutral and non-polar, with threonine, which is neutral and polar, at codon 690 of the CCDC40 protein (p.Ala690Thr). This variant is present in population databases (rs201907038, gnomAD 0.07%). This variant has not been reported in the literature in individuals affected with CCDC40-related conditions. ClinVar contains an entry for this variant (Variation ID: 1000008). Invitae Evidence Modeling of protein sequence and biophysical properties (such as structural, functional, and spatial information, amino acid conservation, physicochemical variation, residue mobility, and thermodynamic stability) indicates that this missense variant is not expected to disrupt CCDC40 protein function with a negative predictive value of 80%. In summary, the available evidence is currently insufficient to determine the role of this variant in disease. Therefore, it has been classified as a Variant of Uncertain Significance.